The following is an entry in ClinVar:

NM_001205293.3(CACNA1E):c.763A>C (p.Asn255His)

Gene: CACNA1E (calcium voltage-gated channel subunit alpha1 E; plus strand). Cytogenetic location: 1q25.3.
Variant type: single nucleotide variant.
Coding change: c.763A>C on transcript NM_001205293.3 (MANE Select); coding-DNA position 763, A replaced by C.
Protein change: p.Asn255His; replaces asparagine 255 with histidine.
Molecular consequence: missense variant.
Genome position (GRCh38, 1-based): chr1:181,579,218, A>C. VCF-style: chr1-181579218-A-C. GRCh37 (hg19) VCF-style: chr1-181548354-A-C.
Other names: c.763A>C, p.Asn255His (NM_000721.4, NM_001205294.2); short protein forms N255H.
Identifiers: ClinVar variation 2639608 (VCV002639608.26), dbSNP rs1210369596, ClinGen allele CA343847247.

ClinVar aggregate classification (germline): Uncertain significance. Review status: criteria provided, multiple submitters, no conflicts (2 of 4 stars). 2 submissions from 2 submitters: Uncertain significance (2). Last evaluated 2025-05-01.

Allele frequency attached by ClinVar (database versions not stated): TOPMed below 0.00001; gnomAD 0.00001; gnomAD exomes 0.00001.
gnomAD v4.1: 18 of 1,611,248 alleles (0.0011%); highest among the groups gnomAD compares: Non-Finnish European, 0.0015%; no homozygotes.

Submissions (2):

CeGaT Center for Human Genetics Tuebingen
Classification: Uncertain significance. Last evaluated: 2025-05-01. Review status: criteria provided, single submitter. Criteria: CeGaT Center For Human Genetics Tuebingen Variant Classification Criteria Version 2. Collection method: clinical testing. Allele origin: germline. Affected: yes. Observed: 1 variant allele.
Comment: CACNA1E: PM2, PP2

Labcorp Genetics (formerly Invitae), Labcorp
Classification: Uncertain significance. Last evaluated: 2024-10-26. Review status: criteria provided, single submitter. Criteria: Invitae Variant Classification Sherloc (09022015). Collection method: clinical testing. Allele origin: germline.
Comment: This sequence change replaces asparagine, which is neutral and polar, with histidine, which is basic and polar, at codon 255 of the CACNA1E protein (p.Asn255His). The frequency data for this variant in the population databases is considered unreliable, as metrics indicate poor data quality at this position in the gnomAD database. This variant has not been reported in the literature in individuals affected with CACNA1E-related conditions. ClinVar contains an entry for this variant (Variation ID: 2639608). Invitae Evidence Modeling of protein sequence and biophysical properties (such as structural, functional, and spatial information, amino acid conservation, physicochemical variation, residue mobility, and thermodynamic stability) has been performed for this missense variant. However, the output from this modeling did not meet the statistical confidence thresholds required to predict the impact of this variant on CACNA1E protein function. In summary, the available evidence is currently insufficient to determine the role of this variant in disease. Therefore, it has been classified as a Variant of Uncertain Significance.